The following is an entry in ClinVar:

NM_000138.5(FBN1):c.3464-5_3464-4delinsAG

Gene: FBN1 (fibrillin 1; minus strand). Cytogenetic location: 15q21.1.
Variant type: Indel.
Coding change: c.3464-5_3464-4delinsAG on transcript NM_000138.5 (MANE Select); 5 bases into the intron before coding-DNA position 3464 through 4 bases into the intron before coding-DNA position 3464, GA replaced by AG.
Molecular consequence: intron variant.
Genome position (GRCh38, 1-based): chr15:48,487,204-48,487,205, TC replaced by CT on the plus strand (GA replaced by AG on the coding strand, the reverse complement: FBN1 is on the minus strand). VCF-style: chr15-48487204-TC-CT. GRCh37 (hg19) VCF-style: chr15-48779401-TC-CT.
Identifiers: ClinVar variation 1302935 (VCV001302935.2), dbSNP rs2141293349, ClinGen allele CA2573054040.
Genomic context (GRCh38, chr15:48,487,204, plus strand): 5'-GGTTCACGCAACGGCCATTGGGGCACAGGTGTGCACTCAGCTCACATTCATTGATGTCTG[TC>CT]GGGAAAATAAGAAGAACAAACACCCAAACATAAGCTTCCAACTTTGGCAATGATGTCATT-3'

ClinVar aggregate classification (germline): Uncertain significance (1 of 4 stars; one submission).

Submission:

GeneDx
Classification: Uncertain significance. Last evaluated: 2019-08-19. Review status: criteria provided, single submitter. Criteria: GeneDx Variant Classification Process June 2021. Collection method: clinical testing. Allele origin: germline. Affected: yes.
Comment: Not observed in large population cohorts (Lek et al., 2016); Has not been previously published as pathogenic or benign to our knowledge; In silico analysis, which includes splice predictors and evolutionary conservation, suggests this variant may impact gene splicing. In the absence of RNA/functional studies, the actual effect of this sequence change is unknown.